The following is an entry in ClinVar:

NM_004517.4(ILK):c.734T>A (p.Phe245Tyr)

Genes: ILK (integrin linked kinase; plus strand), TAF10 (TATA-box binding protein associated factor 10; minus strand). Cytogenetic location: 11p15.4.
Variant type: single nucleotide variant.
Coding change: c.734T>A on transcript NM_004517.4 (MANE Select); coding-DNA position 734, T replaced by A.
Protein change: p.Phe245Tyr; replaces phenylalanine 245 with tyrosine.
Molecular consequence: missense variant. On other transcripts: 3 prime UTR variant (1).
Genome position (GRCh38, 1-based): chr11:6,609,517, T>A. VCF-style: chr11-6609517-T-A. GRCh37 (hg19) VCF-style: chr11-6630748-T-A.
Other names: c.734T>A, p.Phe245Tyr (NM_001014794.3, NM_001014795.3); c.551T>A, p.Phe184Tyr (NM_001278441.2); c.332T>A, p.Phe111Tyr (NM_001278442.2); c.*1405A>T (NM_006284.4); short protein forms F245Y, F111Y, F184Y.
Identifiers: ClinVar variation 222653 (VCV000222653.4), dbSNP rs869025438, ClinGen allele CA351689.

ClinVar aggregate classification (germline): Uncertain significance. Review status: criteria provided, multiple submitters, no conflicts (2 of 4 stars). 2 submissions from 2 submitters: Uncertain significance (2). Last evaluated 2026-06-06.

Conditions:
Primary familial hypertrophic cardiomyopathy (HCM). Identifiers: Orphanet 99739, MedGen C0949658, MeSH D024741, MONDO:0024573. Inheritance: Various modes of inheritance.

Allele frequency attached by ClinVar (database versions not stated): gnomAD 0.00003; TOPMed 0.00001.
gnomAD v4.1: 6 of 1,614,024 alleles (0.00037%); highest among the groups gnomAD compares: African/African-American, 0.0067%; no homozygotes.

Submissions (2):

Ambry Genetics
Classification: Uncertain significance. Last evaluated: 2026-06-06. Review status: criteria provided, single submitter. Criteria: Ambry Variant Classification Scheme 2023. Collection method: clinical testing. Allele origin: germline.
Comment: The p.F245Y variant (also known as c.734T>A), located in coding exon 8 of the ILK gene, results from a T to A substitution at nucleotide position 734. The phenylalanine at codon 245 is replaced by tyrosine, an amino acid with highly similar properties. This amino acid position is conserved. In addition, this alteration is predicted to be deleterious by in silico analysis. Based on the available evidence, the clinical significance of this variant remains unclear.

Labcorp Genetics (formerly Invitae), Labcorp
Classification: Uncertain significance for Primary familial hypertrophic cardiomyopathy. Last evaluated: 2024-12-12. Review status: criteria provided, single submitter. Criteria: Invitae Variant Classification Sherloc (09022015). Collection method: clinical testing. Allele origin: germline.
Comment: This sequence change replaces phenylalanine, which is neutral and non-polar, with tyrosine, which is neutral and polar, at codon 245 of the ILK protein (p.Phe245Tyr). This variant is present in population databases (no rsID available, gnomAD 0.02%). This variant has not been reported in the literature in individuals affected with ILK-related conditions. ClinVar contains an entry for this variant (Variation ID: 222653). An algorithm developed to predict the effect of missense changes on protein structure and function (PolyPhen-2) suggests that this variant is likely to be disruptive. In summary, the available evidence is currently insufficient to determine the role of this variant in disease. Therefore, it has been classified as a Variant of Uncertain Significance.